The following is an entry in ClinVar:

ClinVar aggregate classification (germline): Uncertain significance (1 of 4 stars; one submission).

gnomAD v4.1: 1 of 1,549,846 alleles (0.000065%); highest among the groups gnomAD compares: African/African-American, 0.0014%; no homozygotes.

Submission:

GeneDx
Classification: Uncertain significance. Last evaluated: 2024-05-23. Review status: criteria provided, single submitter. Criteria: GeneDx Variant Classification Process June 2021. Collection method: clinical testing. Allele origin: germline. Affected: yes.
Comment: Not observed at significant frequency in large population cohorts (gnomAD); In silico analysis supports that this missense variant has a deleterious effect on protein structure/function; Has not been previously published as pathogenic or benign to our knowledge

NM_001292063.2(OTOG):c.3682C>A (p.Pro1228Thr)

Gene: OTOG (otogelin; plus strand). Cytogenetic location: 11p15.1.
Variant type: single nucleotide variant.
Coding change: c.3682C>A on transcript NM_001292063.2 (MANE Select); coding-DNA position 3682, C replaced by A.
Protein change: p.Pro1228Thr; replaces proline 1228 with threonine.
Molecular consequence: missense variant.
Genome position (GRCh38, 1-based): chr11:17,597,007, C>A. VCF-style: chr11-17597007-C-A. GRCh37 (hg19) VCF-style: chr11-17618554-C-A.
Other names: c.3718C>A, p.Pro1240Thr (NM_001277269.2); short protein forms P1228T, P1240T.
Identifiers: ClinVar variation 3383590 (VCV003383590.1).